The following is an entry in ClinVar:

ClinVar aggregate classification (germline): Uncertain significance (1 of 4 stars; one submission).

Allele frequency attached by ClinVar (database versions not stated): gnomAD exomes below 0.00001 and 0.00001; gnomAD 0.00001; TOPMed 0.00001.
gnomAD v4.1: 9 of 1,607,854 alleles (0.00056%); highest among the groups gnomAD compares: East Asian, 0.0089%; no homozygotes.

Submission:

Labcorp Genetics (formerly Invitae), Labcorp
Classification: Uncertain significance. Last evaluated: 2021-02-12. Review status: criteria provided, single submitter. Criteria: Invitae Variant Classification Sherloc (09022015). Collection method: clinical testing. Allele origin: germline.
Comment: In summary, the available evidence is currently insufficient to determine the role of this variant in disease. Therefore, it has been classified as a Variant of Uncertain Significance. Experimental studies and prediction algorithms are not available or were not evaluated, and the functional significance of this variant is currently unknown. This variant has not been reported in the literature in individuals with EXOC6B-related conditions. This variant is not present in population databases (ExAC no frequency). This sequence change replaces arginine with glutamine at codon 320 of the EXOC6B protein (p.Arg320Gln). The arginine residue is moderately conserved and there is a small physicochemical difference between arginine and glutamine.

NM_015189.3(EXOC6B):c.959G>A (p.Arg320Gln)

Gene: EXOC6B (exocyst complex component 6B; minus strand). Cytogenetic location: 2p13.2.
Variant type: single nucleotide variant.
Coding change: c.959G>A on transcript NM_015189.3 (MANE Select); coding-DNA position 959, G replaced by A.
Protein change: p.Arg320Gln; replaces arginine 320 with glutamine.
Molecular consequence: missense variant. On other transcripts: non-coding transcript variant (2).
Genome position (GRCh38, 1-based): chr2:72,515,083, C>T on the plus strand (G>A on the coding strand, the complement: EXOC6B is on the minus strand). VCF-style: chr2-72515083-C-T. GRCh37 (hg19) VCF-style: chr2-72742212-C-T.
Other names: c.959G>A, p.Arg320Gln (NM_001321729.2, NM_001321730.2, NM_001321731.2 and 1 more transcripts); c.620G>A, p.Arg207Gln (NM_001321734.2); short protein forms R207Q, R320Q.
Identifiers: ClinVar variation 1474305 (VCV001474305.4), dbSNP rs1260581524, ClinGen allele CA347431173.